The following is an entry in ClinVar:

NM_001008537.3(NEXMIF):c.4314C>A (p.Gly1438=)

Gene: NEXMIF (neurite extension and migration factor; minus strand). Cytogenetic location: Xq13.3.
Variant type: single nucleotide variant.
Coding change: c.4314C>A on transcript NM_001008537.3 (MANE Select); coding-DNA position 4314, C replaced by A.
Protein change: p.Gly1438=; no amino-acid change (glycine 1438 retained).
Molecular consequence: synonymous variant.
Genome position (GRCh38, 1-based): chrX:74,740,243, G>T on the plus strand (C>A on the coding strand, the complement: NEXMIF is on the minus strand). VCF-style: chrX-74740243-G-T. GRCh37 (hg19) VCF-style: chrX-73960078-G-T.
Identifiers: ClinVar variation 4847574 (VCV004847574.1).
Genomic context (GRCh38, chrX:74,740,243, plus strand): 5'-TCTCAGGGCCTTGGAGCTGGATTTGTGACGATACAACTTTTTGTGTGTCGGTCCGTTATT[G>T]CCTAAAGTGCTCATGTTACTATACTTTTTATCAAAGAAGGTAGAGCGAGAGTCCTCGTTA-3'
Protein context (NP_001008537.1, residues 1428-1448): DKKYSNMSTL[Gly1438=]NNGPTHKKLY

ClinVar aggregate classification (germline): Likely benign (1 of 4 stars; one submission).

gnomAD v4.1: 4 of 1,211,335 alleles (0.00033%); highest among the groups gnomAD compares: Non-Finnish European, 0.00034%; no homozygotes.

Submission:

Women's Health and Genetics/Laboratory Corporation of America, LabCorp
Classification: Likely benign. Last evaluated: 2026-03-02. Review status: criteria provided, single submitter. Criteria: LabCorp Variant Classification Summary - May 2015. Collection method: clinical testing. Allele origin: germline.
Comment: Variant summary: NEXMIF c.4314C>A alters a conserved nucleotide resulting in a synonymous change. Consensus agreement among computation tools predict no significant impact on normal splicing. However, these predictions have yet to be confirmed by functional studies. The variant was absent in 183244 control chromosomes. The available data on variant occurrences in the general population are insufficient to allow any conclusion about variant significance. To our knowledge, no occurrence of c.4314C>A in individuals affected with NEXMIF-related conditions and no experimental evidence demonstrating its impact on protein function have been reported. No submitters have cited clinical-significance assessments for this variant to ClinVar. Based on the evidence outlined above, the variant was classified as likely benign.